The following is an entry in ClinVar:

NM_001851.6(COL9A1):c.559G>A (p.Val187Met)

Gene: COL9A1 (collagen type IX alpha 1 chain; minus strand). Cytogenetic location: 6q13.
Variant type: single nucleotide variant.
Coding change: c.559G>A on transcript NM_001851.6 (MANE Select); coding-DNA position 559, G replaced by A.
Protein change: p.Val187Met; replaces valine 187 with methionine.
Molecular consequence: missense variant.
Genome position (GRCh38, 1-based): chr6:70,294,304, C>T on the plus strand (G>A on the coding strand, the complement: COL9A1 is on the minus strand). VCF-style: chr6-70294304-C-T. GRCh37 (hg19) VCF-style: chr6-71004007-C-T.
Other names: c.559G>A, p.Val187Met (NM_001377291.1); short protein forms V187M.
Identifiers: ClinVar variation 1318522 (VCV001318522.10), dbSNP rs773143381, ClinGen allele CA3882778.
Genomic context (GRCh38, chr6:70,294,304, plus strand): 5'-TTATAGGTAAAGATTCAATCCTGTTGCAGTCAACAAAAAGAGTAGCACTACTCCTCTCCA[C>T]GCCAATCATGATCTTATGCCACTGGGAATCAAACAAGGAGGACAAATTCGAAAAGGCTGC-3'
Protein context (NP_001842.3, residues 177-197): DSQWHKIMIG[Val187Met]ERSSATLFVD

ClinVar aggregate classification (germline): Conflicting classifications of pathogenicity. Review status: criteria provided, conflicting classifications (1 of 4 stars). 3 submissions from 3 submitters: Uncertain significance (1); Likely benign (1). 1 of the submissions does not count toward it. Last evaluated 2024-08-12.

Conditions:
COL9A1-related disorder. Also called: COL9A1-related condition; COL9A1-related disorders.

gnomAD v4.1: 30 of 1,613,950 alleles (0.0019%); highest among the groups gnomAD compares: South Asian, 0.0022%; no homozygotes.

Submissions (3):

Labcorp Genetics (formerly Invitae), Labcorp
Classification: Likely benign. Last evaluated: 2024-08-12. Review status: criteria provided, single submitter. Criteria: Invitae Variant Classification Sherloc (09022015). Collection method: clinical testing. Allele origin: germline.

GeneDx
Classification: Uncertain significance. Last evaluated: 2019-11-05. Review status: criteria provided, single submitter. Criteria: GeneDx Variant Classification Process June 2021. Collection method: clinical testing. Allele origin: germline. Affected: yes.
Comment: Has not been previously published as pathogenic or benign to our knowledge; In silico analysis, which includes protein predictors and evolutionary conservation, supports a deleterious effect

PreventionGenetics, part of Exact Sciences
Classification: Uncertain significance for COL9A1-related condition. Last evaluated: 2024-07-10. Review status: no assertion criteria provided. Collection method: clinical testing. Allele origin: germline. Not counted in ClinVar's aggregate classification.
Comment: The COL9A1 c.559G>A variant is predicted to result in the amino acid substitution p.Val187Met. To our knowledge, this variant has not been reported in the literature. This variant is reported in 0.0079% of alleles in individuals of European (Non-Finnish) descent in gnomAD. At this time, the clinical significance of this variant is uncertain due to the absence of conclusive functional and genetic evidence.